The following is an entry in ClinVar:

NC_000014.8:g.(?_102348478)_(102516900_?)del

Genes: DYNC1H1 (dynein cytoplasmic 1 heavy chain 1; plus strand), PPP2R5C (protein phosphatase 2 regulatory subunit B'gamma; plus strand). Cytogenetic location: 14q32.31.
Variant type: Deletion.
Identifiers: ClinVar variation 3244016 (VCV003244016.1).

ClinVar aggregate classification (germline): Uncertain significance (1 of 4 stars; one submission).

Conditions:
Charcot-Marie-Tooth disease axonal type 2O. Also called: CHARCOT-MARIE-TOOTH NEUROPATHY, AXONAL, TYPE 2O; CHARCOT-MARIE-TOOTH DISEASE, AXONAL, AUTOSOMAL DOMINANT, TYPE 2O; Charcot-Marie-Tooth Neuropathy Type 2O; Charcot-Marie-Tooth disease, axonal, type 20. Identifiers: Orphanet 284232, MedGen C3280220, MONDO:0013644, OMIM 614228.

Submission:

Labcorp Genetics (formerly Invitae), Labcorp
Classification: Uncertain significance for Charcot-Marie-Tooth disease axonal type 2O. Last evaluated: 2023-05-01. Review status: criteria provided, single submitter. Criteria: Invitae Variant Classification Sherloc (09022015). Collection method: clinical testing. Allele origin: unknown.
Comment: In summary, the available evidence is currently insufficient to determine the role of this variant in disease. Therefore, it has been classified as a Variant of Uncertain Significance. Isolated whole-gene deletions of DYNC1H1 have not been reported in the literature. However, larger copy number events that include this gene have been reported (PMID: 25817843). A gross deletion of the genomic region encompassing the full coding sequence of the DYNC1H1 gene has been identified. The current clinical and genetic evidence is not sufficient to establish whether loss-of-function variants in DYNC1H1 cause disease. The boundaries of this event are unknown as they extend beyond the assayed region for this gene and therefore may encompass additional genes.

Literature cited by the submitters: PubMed 25817843.